The following is an entry in ClinVar:

ClinVar aggregate classification (germline): Pathogenic (1 of 4 stars; one submission).

Conditions:
Joubert syndrome 23 (JBTS23). Identifiers: Orphanet 475, MedGen C4084822, MONDO:0014664, OMIM 616490.
Short-rib thoracic dysplasia 14 with polydactyly (SRTD14). Identifiers: Orphanet 397715, MedGen C4225286, MONDO:0014688, OMIM 616546.

Submission:

Labcorp Genetics (formerly Invitae), Labcorp
Classification: Pathogenic for Joubert syndrome 23; Short-rib thoracic dysplasia 14 with polydactyly. Last evaluated: 2022-08-23. Review status: criteria provided, single submitter. Criteria: Invitae Variant Classification Sherloc (09022015). Collection method: clinical testing. Allele origin: germline.
Comment: This sequence change creates a premature translational stop signal (p.Thr261Asnfs*5) in the KIAA0586 gene. It is expected to result in an absent or disrupted protein product. Loss-of-function variants in KIAA0586 are known to be pathogenic (PMID: 26096313, 26166481, 26386044). This variant is not present in population databases (gnomAD no frequency). This variant has not been reported in the literature in individuals affected with KIAA0586-related conditions. ClinVar contains an entry for this variant (Variation ID: 1359882). For these reasons, this variant has been classified as Pathogenic.

Literature cited by the submitters: PubMed 26096313; PubMed 26166481; PubMed 26386044.

NM_001329943.3(KIAA0586):c.622dup (p.Thr208fs)

Gene: KIAA0586 (KIAA0586; plus strand). Cytogenetic location: 14q23.1.
Variant type: Duplication.
Coding change: c.622dup on transcript NM_001329943.3 (MANE Select); coding-DNA position 622, one base duplicated (A; older notation c.622dupA).
Protein change: p.Thr208fs; shifts the reading frame from threonine 208.
Molecular consequence: frameshift variant.
Genome position (GRCh38, 1-based): chr14:58,443,990, A duplicated. VCF-style (leftmost placement, unchanged base first): chr14-58443989-T-TA. GRCh37 (hg19) VCF-style: chr14-58910707-T-TA.
Other names: c.781dup, p.Thr261fs (NM_001244189.2); c.577dup, p.Thr193fs (NM_001244190.2); c.367dup, p.Thr123fs (NM_001244191.2, NM_001329945.2, NM_001364700.1 and 1 more transcripts); c.490dup, p.Thr164fs (NM_001244192.2); c.202dup, p.Thr68fs (NM_001244193.2); c.622dup, p.Thr208fs (NM_001329944.2, NM_001329946.2, NM_001329947.2 and 1 more transcripts); short protein forms T208fs, T68fs, T164fs, T193fs, T261fs, T123fs.
Identifiers: ClinVar variation 1359882 (VCV001359882.6), dbSNP rs2140565674, ClinGen allele CA2573149979.